The following is an entry in ClinVar:

NM_000038.6(APC):c.6095T>C (p.Ile2032Thr)

Gene: APC (APC regulator of Wnt signaling pathway; plus strand). Cytogenetic location: 5q22.2.
Variant type: single nucleotide variant.
Coding change: c.6095T>C on transcript NM_000038.6 (MANE Select); coding-DNA position 6095, T replaced by C.
Protein change: p.Ile2032Thr; replaces isoleucine 2032 with threonine.
Molecular consequence: missense variant. On other transcripts: non-coding transcript variant (2).
Genome position (GRCh38, 1-based): chr5:112,841,689, T>C. VCF-style: chr5-112841689-T-C. GRCh37 (hg19) VCF-style: chr5-112177386-T-C.
Other names: c.6149T>C, p.Ile2050Thr (NM_001407449.1, NM_001354896.2, NM_001407447.1 and 1 more transcripts); c.6095T>C, p.Ile2032Thr (NM_001407450.1, NM_001127510.3, NM_001354895.2); c.6074T>C, p.Ile2025Thr (NM_001407451.1); c.6065T>C, p.Ile2022Thr (NM_001407452.1); c.5918T>C, p.Ile1973Thr (NM_001407453.1, NM_001354901.2); c.5846T>C, p.Ile1949Thr (NM_001407454.1, NM_001407455.1, NM_001407456.1 and 1 more transcripts); c.5792T>C, p.Ile1931Thr (NM_001407458.1, NM_001407459.1, NM_001407460.1 and 1 more transcripts); c.5708T>C, p.Ile1903Thr (NM_001407467.1, NM_001407469.1); and 11 more; short protein forms I1949T, I2022T, I2032T, I1872T, I1903T, I1906T, I1931T, I1991T.
Identifiers: ClinVar variation 3304650 (VCV003304650.3).

ClinVar aggregate classification (germline): Uncertain significance. Review status: criteria provided, multiple submitters, no conflicts (2 of 4 stars). 3 submissions from 3 submitters: Uncertain significance (3). Last evaluated 2025-08-20.

Conditions:
Hereditary cancer-predisposing syndrome. Also called: Tumor predisposition; Hereditary Cancer Syndrome; Hereditary neoplastic syndrome; Neoplastic Syndromes, Hereditary. Identifiers: Orphanet 140162, MedGen C0027672, MeSH D009386, MONDO:0015356.
Classic or attenuated familial adenomatous polyposis. Identifiers: MedGen CN372698, MONDO:0021057.
Familial adenomatous polyposis 1 (FAP1). Also called: FAMILIAL ADENOMATOUS POLYPOSIS 1, ATTENUATED; POLYPOSIS, ADENOMATOUS INTESTINAL. Identifiers: MedGen C2713442, MONDO:0021056, OMIM 175100. Disease mechanism: loss of function.

gnomAD v4.1: 1 of 1,613,956 alleles (0.000062%); no homozygotes.

Submissions (3):

Labcorp Genetics (formerly Invitae), Labcorp
Classification: Uncertain significance for Familial adenomatous polyposis 1. Last evaluated: 2025-08-20. Review status: criteria provided, single submitter. Criteria: Invitae Variant Classification Sherloc (09022015). Collection method: clinical testing. Allele origin: germline.
Comment: This sequence change replaces isoleucine, which is neutral and non-polar, with threonine, which is neutral and polar, at codon 2032 of the APC protein (p.Ile2032Thr). This variant is not present in population databases (gnomAD no frequency). This variant has not been reported in the literature in individuals affected with APC-related conditions. ClinVar contains an entry for this variant (Variation ID: 3304650). Invitae Evidence Modeling of protein sequence and biophysical properties (such as structural, functional, and spatial information, amino acid conservation, physicochemical variation, residue mobility, and thermodynamic stability) indicates that this missense variant is not expected to disrupt APC protein function with a negative predictive value of 95%. In summary, the available evidence is currently insufficient to determine the role of this variant in disease. Therefore, it has been classified as a Variant of Uncertain Significance.

All of Us Research Program, National Institutes of Health
Classification: Uncertain significance for Classic or attenuated familial adenomatous polyposis. Last evaluated: 2024-05-14. Review status: criteria provided, single submitter. Criteria: ACMG Guidelines, 2015. Collection method: clinical testing. Allele origin: germline. Inheritance: Autosomal dominant inheritance. Observed: 1 variant allele, 1 heterozygote.
Comment: This missense variant replaces isoleucine with threonine at codon 2032 of the APC protein. Computational prediction is inconclusive regarding the impact of this variant on protein structure and function (internally defined REVEL score threshold 0.5 < inconclusive < 0.7, PMID: 27666373). To our knowledge, functional studies have not been reported for this variant. This variant has not been reported in individuals affected with APC-related disorders in the literature. This variant has not been identified in the general population by the Genome Aggregation Database (gnomAD). The available evidence is insufficient to determine the role of this variant in disease conclusively. Therefore, this variant is classified as a Variant of Uncertain Significance.

This study involves interpretation of variants in research participants for the purpose of population health screening. Participant phenotype was not available at the time of variant classification. Additional details can be found in publication PMID: 35346344, PMCID: PMC8962531

Ambry Genetics
Classification: Uncertain significance for Hereditary cancer-predisposing syndrome. Last evaluated: 2024-04-11. Review status: criteria provided, single submitter. Criteria: Ambry Variant Classification Scheme 2023. Collection method: clinical testing. Allele origin: germline.
Comment: The p.I2032T variant (also known as c.6095T>C), located in coding exon 15 of the APC gene, results from a T to C substitution at nucleotide position 6095. The isoleucine at codon 2032 is replaced by threonine, an amino acid with similar properties. This amino acid position is conserved. In addition, in silico predictors for this gene do not accurately predict pathogenicity. Based on the available evidence, the clinical significance of this variant remains unclear.